The following is an entry in ClinVar:

ClinVar aggregate classification (germline): Conflicting classifications of pathogenicity. Review status: criteria provided, conflicting classifications (1 of 4 stars). 6 submissions from 5 submitters: Uncertain significance (5); Likely benign (1). Last evaluated 2024-11-17.

Conditions:
Aortic valve disease 1 (AOVD1). Identifiers: MedGen C3887892, MONDO:0024523, OMIM 109730.
Adams-Oliver syndrome 5 (AOS5). Identifiers: Orphanet 974, MedGen C4014970, MONDO:0014459, OMIM 616028.
Familial thoracic aortic aneurysm and aortic dissection (TAAD). Also called: Thoracic aortic aneurysms and dissections. Identifiers: Orphanet 91387, MedGen C4707243, MONDO:0019625.

Allele frequency attached by ClinVar (database versions not stated): ExAC 0.00003; gnomAD 0.00017 and 0.00018; TOPMed 0.00017.
gnomAD v4.1: 51 of 1,612,922 alleles (0.0032%); highest among the groups gnomAD compares: Admixed American, 0.052%; no homozygotes.

Submissions (6):

Ambry Genetics
Classification: Uncertain significance for Familial thoracic aortic aneurysm and aortic dissection. Last evaluated: 2024-11-17. Review status: criteria provided, single submitter. Criteria: Ambry Variant Classification Scheme 2023. Collection method: clinical testing. Allele origin: germline.
Comment: The p.D740N variant (also known as c.2218G>A), located in coding exon 14 of the NOTCH1 gene, results from a G to A substitution at nucleotide position 2218. The aspartic acid at codon 740 is replaced by asparagine, an amino acid with highly similar properties. This amino acid position is conserved. In addition, this alteration is predicted to be tolerated by in silico analysis. Since supporting evidence is limited at this time, the clinical significance of this alteration remains unclear.

Labcorp Genetics (formerly Invitae), Labcorp
Classification: Likely benign for Adams-Oliver syndrome 5. Last evaluated: 2024-10-16. Review status: criteria provided, single submitter. Criteria: Invitae Variant Classification Sherloc (09022015). Collection method: clinical testing. Allele origin: germline.

GeneDx
Classification: Uncertain significance. Last evaluated: 2024-02-15. Review status: criteria provided, single submitter. Criteria: GeneDx Variant Classification Process June 2021. Collection method: clinical testing. Allele origin: germline. Affected: yes.
Comment: Has not been previously published as pathogenic or benign to our knowledge in association with a connective tissue disorder; In silico analysis supports that this missense variant does not alter protein structure/function; This variant is associated with the following publications: (PMID: 30111351)

Genome-Nilou Lab
Classification: Uncertain significance for Adams-Oliver syndrome 5. Last evaluated: 2022-03-15. Review status: criteria provided, single submitter. Criteria: ACMG Guidelines, 2015. Collection method: clinical testing. Allele origin: germline. Affected: no.

Genome-Nilou Lab
Classification: Uncertain significance for Aortic valve disease 1. Last evaluated: 2022-03-15. Review status: criteria provided, single submitter. Criteria: ACMG Guidelines, 2015. Collection method: clinical testing. Allele origin: germline. Affected: no.

Fulgent Genetics
Classification: Uncertain significance for Aortic valve disease 1; Adams-Oliver syndrome 5. Last evaluated: 2018-10-31. Review status: criteria provided, single submitter. Criteria: ACMG Guidelines, 2015. Collection method: clinical testing. Allele origin: unknown.

NM_017617.5(NOTCH1):c.2218G>A (p.Asp740Asn)

Gene: NOTCH1 (notch receptor 1; minus strand). Cytogenetic location: 9q34.3.
Variant type: single nucleotide variant.
Coding change: c.2218G>A on transcript NM_017617.5 (MANE Select); coding-DNA position 2218, G replaced by A.
Protein change: p.Asp740Asn; replaces aspartic acid 740 with asparagine.
Molecular consequence: missense variant.
Genome position (GRCh38, 1-based): chr9:136,513,527, C>T on the plus strand (G>A on the coding strand, the complement: NOTCH1 is on the minus strand). VCF-style: chr9-136513527-C-T. GRCh37 (hg19) VCF-style: chr9-139407979-C-T.
Other names: c.2218G>A, p.Asp740Asn (LRG_1122t1); short protein forms D740N.
Identifiers: ClinVar variation 477892 (VCV000477892.15), dbSNP rs200816814, ClinGen allele CA5341433.
Genomic context (GRCh38, chr9:136,513,527, plus strand): 5'-TGGATTCACACTCATTGTTGTTGATGTCACAGTTGGTCCCACTCCACCCAGGGTCACAGT[C>T]GCACTTGTACCTGCAAGGGGGACCACACTGCAGGTCGAGGGAGGCCCGAGCAGCACGGCC-3'
Protein context (NP_060087.3, residues 730-750): CRDSLNGYKC[Asp740Asn]CDPGWSGTNC